The following is an entry in ClinVar:

NM_001005361.3(DNM2):c.2292-8C>A

Gene: DNM2 (dynamin 2; plus strand). Cytogenetic location: 19p13.2.
Variant type: single nucleotide variant.
Coding change: c.2292-8C>A on transcript NM_001005361.3 (MANE Select); 8 bases into the intron before coding-DNA position 2292, C replaced by A.
Molecular consequence: intron variant.
Genome position (GRCh38, 1-based): chr19:10,830,119, C>A. VCF-style: chr19-10830119-C-A. GRCh37 (hg19) VCF-style: chr19-10940795-C-A.
Other names: c.2292-8C>A (NM_001005360.3, NM_001190716.2); c.2280-8C>A (NM_004945.4, NM_001005362.3).
Identifiers: ClinVar variation 930350 (VCV000930350.6), dbSNP rs757620658, ClinGen allele CA631755120.

ClinVar aggregate classification (germline): Uncertain significance. Review status: criteria provided, multiple submitters, no conflicts (2 of 4 stars). 2 submissions from 2 submitters: Uncertain significance (2). Last evaluated 2022-10-28.

Conditions:
Autosomal dominant centronuclear myopathy. Also called: MYOTUBULAR MYOPATHY, AUTOSOMAL DOMINANT; Myopathy, centronuclear, 3. Identifiers: Orphanet 169189, MedGen C4551952, MeSH D020914, MONDO:0008048, OMIM 160150.
Charcot-Marie-Tooth disease dominant intermediate B (CMTDIB). Also called: CHARCOT-MARIE-TOOTH NEUROPATHY, DOMINANT INTERMEDIATE B; Charcot-Marie-Tooth disease dominant intermediate 1; CMT DI1; Charcot-Marie-Tooth disease dominant intermediate I. Identifiers: Orphanet 100044, Orphanet 228179, MedGen C1847902, MONDO:0011674, OMIM 606482.

gnomAD v4.1: 2 of 1,613,854 alleles (0.00012%); highest among the groups gnomAD compares: Non-Finnish European, 0.00017%; no homozygotes.

Submissions (2):

Labcorp Genetics (formerly Invitae), Labcorp
Classification: Uncertain significance for Charcot-Marie-Tooth disease dominant intermediate B. Last evaluated: 2022-10-28. Review status: criteria provided, single submitter. Criteria: Invitae Variant Classification Sherloc (09022015). Collection method: clinical testing. Allele origin: germline.
Comment: In summary, the available evidence is currently insufficient to determine the role of this variant in disease. Therefore, it has been classified as a Variant of Uncertain Significance. Algorithms developed to predict the effect of sequence changes on RNA splicing suggest that this variant may create or strengthen a splice site. ClinVar contains an entry for this variant (Variation ID: 930350). This variant has not been reported in the literature in individuals affected with DNM2-related conditions. This variant is present in population databases (no rsID available, gnomAD 0.0009%). This sequence change falls in intron 19 of the DNM2 gene. It does not directly change the encoded amino acid sequence of the DNM2 protein.

Centre for Mendelian Genomics, University Medical Centre Ljubljana
Classification: Uncertain significance for Autosomal dominant centronuclear myopathy. Last evaluated: 2019-01-30. Review status: criteria provided, single submitter. Criteria: ACMG Guidelines, 2015. Collection method: clinical testing. Allele origin: unknown. Affected: yes.
Comment: This variant was classified as: Uncertain significance. The available evidence on this variant's pathogenicity is insufficient or conflicting. The following ACMG criteria were applied in classifying this variant: BP4.